The following is an entry in ClinVar:

NM_174936.4(PCSK9):c.1377T>G (p.Thr459=)

Gene: PCSK9 (proprotein convertase subtilisin/kexin type 9; plus strand). Cytogenetic location: 1p32.3.
Variant type: single nucleotide variant.
Coding change: c.1377T>G on transcript NM_174936.4 (MANE Select); coding-DNA position 1377, T replaced by G.
Protein change: p.Thr459=; no amino-acid change (threonine 459 retained).
Molecular consequence: synonymous variant. On other transcripts: non-coding transcript variant (8), intron variant (1).
Genome position (GRCh38, 1-based): chr1:55,058,521, T>G. VCF-style: chr1-55058521-T-G. GRCh37 (hg19) VCF-style: chr1-55524194-T-G.
Other names: c.1500T>G, p.Thr500= (NM_001407240.1); c.1377T>G, p.Thr459= (NM_001407241.1); c.1380T>G, p.Thr460= (NM_001407242.1); c.1320T>G, p.Thr440= (NM_001407243.1); c.1203T>G, p.Thr401= (NM_001407244.1); c.1185T>G, p.Thr395= (NM_001407245.1); c.1002T>G, p.Thr334= (NM_001407246.1); c.1180+1007T>G (NM_001407247.1).
Identifiers: ClinVar variation 3387452 (VCV003387452.1).
Genomic context (GRCh38, chr1:55,058,521, plus strand): 5'-TCCCAGCACCCCCTCCTCATCCCAGGCCCTTTTTGCAGGTTGGCAGCTGTTTTGCAGGAC[T>G]GTATGGTCAGCACACTCGGGGCCTACACGGATGGCCACAGCCGTCGCCCGCTGCGCCCCA-3'
Protein context (NP_777596.2, residues 449-469): HGAGWQLFCR[Thr459=]VWSAHSGPTR

ClinVar aggregate classification (germline): Likely benign (1 of 4 stars; one submission).

Conditions:
Hypercholesterolemia, autosomal dominant, 3 (FHCL3). Also called: Familial Hypercholesterolemia, Autosomal Dominant, 3; PCSK9-Related Familial Hypercholesterolemia, Autosomal Dominant; Familial hypercholesterolemia 3. Identifiers: MedGen C1863551, MONDO:0011369, OMIM 603776.

Submission:

All of Us Research Program, National Institutes of Health
Classification: Likely benign for Hypercholesterolemia, autosomal dominant, 3. Last evaluated: 2024-07-20. Review status: criteria provided, single submitter. Criteria: ACMG Guidelines, 2015. Collection method: clinical testing. Allele origin: germline. Inheritance: Autosomal dominant inheritance. Observed: 1 variant allele, 1 heterozygote.
Comment: This study involves interpretation of variants in research participants for the purpose of population health screening. Participant phenotype was not available at the time of variant classification. Additional details can be found in publication PMID: 35346344, PMCID: PMC8962531